The following is an entry in ClinVar:

NM_205850.3(SLC24A5):c.1309G>A (p.Gly437Arg)

Genes: MYEF2 (myelin expression factor 2; minus strand), SLC24A5 (solute carrier family 24 member 5; plus strand). Cytogenetic location: 15q21.1.
Variant type: single nucleotide variant.
Coding change: c.1309G>A on transcript NM_205850.3 (MANE Select); coding-DNA position 1309, G replaced by A.
Protein change: p.Gly437Arg; replaces glycine 437 with arginine.
Molecular consequence: missense variant. On other transcripts: 3 prime UTR variant (2).
Genome position (GRCh38, 1-based): chr15:48,142,157, G>A. VCF-style: chr15-48142157-G-A. GRCh37 (hg19) VCF-style: chr15-48434354-G-A.
Other names: c.*751C>T (NM_001301210.2, NM_016132.5); short protein forms G437R.
Identifiers: ClinVar variation 2119564 (VCV002119564.4), dbSNP rs2504663477, ClinGen allele CA392454208.

ClinVar aggregate classification (germline): Uncertain significance (1 of 4 stars; one submission).

Submission:

Labcorp Genetics (formerly Invitae), Labcorp
Classification: Uncertain significance. Last evaluated: 2022-03-29. Review status: criteria provided, single submitter. Criteria: Invitae Variant Classification Sherloc (09022015). Collection method: clinical testing. Allele origin: germline.
Comment: In summary, the available evidence is currently insufficient to determine the role of this variant in disease. Therefore, it has been classified as a Variant of Uncertain Significance. Algorithms developed to predict the effect of missense changes on protein structure and function are either unavailable or do not agree on the potential impact of this missense change (SIFT: "Deleterious"; PolyPhen-2: "Probably Damaging"; Align-GVGD: "Class C15"). This variant has not been reported in the literature in individuals affected with SLC24A5-related conditions. This variant is not present in population databases (gnomAD no frequency). This sequence change replaces glycine, which is neutral and non-polar, with arginine, which is basic and polar, at codon 437 of the SLC24A5 protein (p.Gly437Arg).